The following is an entry in ClinVar:

ClinVar aggregate classification (germline): Uncertain significance. Review status: criteria provided, multiple submitters, no conflicts (2 of 4 stars). 2 submissions from 2 submitters: Uncertain significance (2). Last evaluated 2025-04-17.

Conditions:
Osteogenesis imperfecta type 8 (OI8). Identifiers: MedGen C1970458, MONDO:0012581, OMIM 610915.

Allele frequency attached by ClinVar (database versions not stated): gnomAD 0.00001; TOPMed 0.00005.
gnomAD v4.1: 3 of 1,613,998 alleles (0.00019%); highest among the groups gnomAD compares: Admixed American, 0.0033%; no homozygotes.

Submissions (2):

GeneDx
Classification: Uncertain significance. Last evaluated: 2025-04-17. Review status: criteria provided, single submitter. Criteria: GeneDx Variant Classification Process June 2021. Collection method: clinical testing. Allele origin: germline. Affected: yes.
Comment: Not observed at significant frequency in large population cohorts (gnomAD); In silico analysis indicates that this missense variant does not alter protein structure/function; Has not been previously published as pathogenic or benign to our knowledge

Labcorp Genetics (formerly Invitae), Labcorp
Classification: Uncertain significance for Osteogenesis imperfecta type 8. Last evaluated: 2022-03-28. Review status: criteria provided, single submitter. Criteria: Invitae Variant Classification Sherloc (09022015). Collection method: clinical testing. Allele origin: germline.
Comment: This sequence change replaces glycine, which is neutral and non-polar, with serine, which is neutral and polar, at codon 254 of the P3H1 protein (p.Gly254Ser). This variant is not present in population databases (gnomAD no frequency). This variant has not been reported in the literature in individuals affected with P3H1-related conditions. Algorithms developed to predict the effect of missense changes on protein structure and function are either unavailable or do not agree on the potential impact of this missense change (SIFT: "Deleterious"; PolyPhen-2: "Possibly Damaging"; Align-GVGD: "Class C0"). Algorithms developed to predict the effect of sequence changes on RNA splicing suggest that this variant may create or strengthen a splice site. In summary, the available evidence is currently insufficient to determine the role of this variant in disease. Therefore, it has been classified as a Variant of Uncertain Significance.

NM_022356.4(P3H1):c.760G>A (p.Gly254Ser)

Gene: P3H1 (prolyl 3-hydroxylase 1; minus strand). Cytogenetic location: 1p34.2.
Variant type: single nucleotide variant.
Coding change: c.760G>A on transcript NM_022356.4 (MANE Select); coding-DNA position 760, G replaced by A.
Protein change: p.Gly254Ser; replaces glycine 254 with serine.
Molecular consequence: missense variant.
Genome position (GRCh38, 1-based): chr1:42,759,249, C>T on the plus strand (G>A on the coding strand, the complement: P3H1 is on the minus strand). VCF-style: chr1-42759249-C-T. GRCh37 (hg19) VCF-style: chr1-43224920-C-T.
Other names: c.760G>A, p.Gly254Ser (NM_001146289.2, NM_001243246.2); c.760G>A (NM_022356.3); short protein forms G254S.
Identifiers: ClinVar variation 1513209 (VCV001513209.4), dbSNP rs914752084, ClinGen allele CA21245408.